The following is an entry in ClinVar:

ClinVar aggregate classification (germline): Uncertain significance. Review status: criteria provided, multiple submitters, no conflicts (2 of 4 stars). 2 submissions from 2 submitters: Uncertain significance (2). Last evaluated 2026-01-27.

Allele frequency attached by ClinVar (database versions not stated): gnomAD exomes 0.00003; TOPMed 0.00001; gnomAD 0.00003.
gnomAD v4.1: 42 of 1,613,264 alleles (0.0026%); highest among the groups gnomAD compares: Non-Finnish European, 0.0035%; no homozygotes.

Submissions (2):

Labcorp Genetics (formerly Invitae), Labcorp
Classification: Uncertain significance. Last evaluated: 2026-01-27. Review status: criteria provided, single submitter. Criteria: Invitae Variant Classification Sherloc (09022015). Collection method: clinical testing. Allele origin: germline.
Comment: This sequence change replaces glutamic acid, which is acidic and polar, with lysine, which is basic and polar, at codon 284 of the TUBA8 protein (p.Glu284Lys). This variant is not present in population databases (gnomAD no frequency). This variant has not been reported in the literature in individuals affected with TUBA8-related conditions. ClinVar contains an entry for this variant (Variation ID: 2165487). Invitae Evidence Modeling of protein sequence and biophysical properties (such as structural, functional, and spatial information, amino acid conservation, physicochemical variation, residue mobility, and thermodynamic stability) indicates that this missense variant is expected to disrupt TUBA8 protein function with a positive predictive value of 80%. In summary, the available evidence is currently insufficient to determine the role of this variant in disease. Therefore, it has been classified as a Variant of Uncertain Significance.

Ambry Genetics
Classification: Uncertain significance. Last evaluated: 2024-07-05. Review status: criteria provided, single submitter. Criteria: Ambry Variant Classification Scheme 2023. Collection method: clinical testing. Allele origin: germline.

NM_018943.3(TUBA8):c.850G>A (p.Glu284Lys)

Gene: TUBA8 (tubulin alpha 8; plus strand). Cytogenetic location: 22q11.21.
Variant type: single nucleotide variant.
Coding change: c.850G>A on transcript NM_018943.3 (MANE Select); coding-DNA position 850, G replaced by A.
Protein change: p.Glu284Lys; replaces glutamic acid 284 with lysine.
Molecular consequence: missense variant.
Genome position (GRCh38, 1-based): chr22:18,126,828, G>A. VCF-style: chr22-18126828-G-A. GRCh37 (hg19) VCF-style: chr22-18609595-G-A.
Other names: c.652G>A, p.Glu218Lys (NM_001193414.2); c.850G>A (NM_018943.2); short protein forms E218K, E284K.
Identifiers: ClinVar variation 2165487 (VCV002165487.5), dbSNP rs1252458090, ClinGen allele CA410264585.
Genomic context (GRCh38, chr22:18,126,828, plus strand): 5'-CGCATCCACTTCCCGCTGGTCACCTACGCGCCCATCATCTCTGCCGAGAAAGCCTATCAC[G>A]AACAGCTCTCTGTGGCCGAGATAACCAGCTCCTGCTTTGAGCCCAACAGCCAGATGGTGA-3'
Protein context (NP_061816.1, residues 274-294): PIISAEKAYH[Glu284Lys]QLSVAEITSS